The following is an entry in ClinVar:

NM_004629.2(FANCG):c.1637-2_1637-1insCTG

Gene: FANCG (FA complementation group G; minus strand). Cytogenetic location: 9p13.3.
Variant type: Insertion.
Coding change: c.1637-2_1637-1insCTG on transcript NM_004629.2 (MANE Select); the canonical splice acceptor site of the intron before coding-DNA position 1637, CTG inserted.
Molecular consequence: splice acceptor variant.
Genome position: GRCh38 VCF-style: chr9-35074495-C-CCAG. GRCh37 (hg19) VCF-style: chr9-35074492-C-CCAG.
Identifiers: ClinVar variation 1481651 (VCV001481651.8), dbSNP rs2131051989, ClinGen allele CA2573144524.

ClinVar aggregate classification (germline): Likely pathogenic (1 of 4 stars; one submission).

Conditions:
Fanconi anemia (FA). Also called: Fanconi's anemia. Identifiers: Orphanet 84, MedGen C0015625, MeSH D005199, MONDO:0019391.

Submission:

Labcorp Genetics (formerly Invitae), Labcorp
Classification: Likely pathogenic for Fanconi anemia. Last evaluated: 2021-12-18. Review status: criteria provided, single submitter. Criteria: Invitae Variant Classification Sherloc (09022015). Collection method: clinical testing. Allele origin: germline.
Comment: This sequence change affects a splice site in intron 12 of the FANCG gene. It is expected to disrupt RNA splicing. Variants that disrupt the donor or acceptor splice site typically lead to a loss of protein function (PMID: 16199547), and loss-of-function variants in FANCG are known to be pathogenic (PMID: 12552564). This variant is not present in population databases (gnomAD no frequency). This variant has not been reported in the literature in individuals affected with FANCG-related conditions. Algorithms developed to predict the effect of sequence changes on RNA splicing suggest that this variant may disrupt the consensus splice site. In summary, the currently available evidence indicates that the variant is pathogenic, but additional data are needed to prove that conclusively. Therefore, this variant has been classified as Likely Pathogenic.

Literature cited by the submitters: PubMed 16199547; PubMed 12552564.